The following is an entry in ClinVar:

NR_003051.4(RMRP):n.126C>T

Gene: RMRP (RNA component of mitochondrial RNA processing endoribonuclease; minus strand). Cytogenetic location: 9p13.3.
Variant type: single nucleotide variant.
Molecular consequence: non-coding transcript variant (on NR_003051.4).
Genome position: GRCh38 VCF-style: chr9-35657894-G-A. GRCh37 (hg19) VCF-style: chr9-35657891-G-A.
Identifiers: ClinVar variation 3233939 (VCV003233939.3), dbSNP rs938089991, ClinGen allele CA464450751.

ClinVar aggregate classification (germline): Uncertain significance. Review status: criteria provided, multiple submitters, no conflicts (2 of 4 stars). 2 submissions from 2 submitters: Uncertain significance (2). Last evaluated 2024-03-29.

gnomAD v4.1: 1 of 697,288 alleles (0.00014%); highest among the groups gnomAD compares: Non-Finnish European, 0.00026%; no homozygotes.

Submissions (2):

Women's Health and Genetics/Laboratory Corporation of America, LabCorp
Classification: Uncertain significance. Last evaluated: 2024-03-29. Review status: criteria provided, single submitter. Criteria: LabCorp Variant Classification Summary - May 2015. Collection method: clinical testing. Allele origin: germline.
Comment: Variant summary: RMRP n.125C>T alters a nucleotide in the non-coding RNA. The variant was absent in 130506 control chromosomes (gnomAD). The available data on variant occurrences in the general population are insufficient to allow any conclusion about variant significance. n.125C>T has been reported in the literature in the compound heterozygous state in an individual affected with Cartilage-Hair Hypoplasia (Hermanns_2005, 2006). These data do not allow any conclusion about variant significance. RPRP RNA expression was 6- to 7-fold lower in this patient (Hermanns_2005). The following publications have been ascertained in the context of this evaluation (PMID: 16254002, 16838329). No submitters have cited clinical-significance assessments for this variant to ClinVar. Based on the evidence outlined above, the variant was classified as uncertain significance.

Blueprint Genetics
Classification: Uncertain significance. Last evaluated: 2023-10-18. Review status: criteria provided, single submitter. Criteria: ACMG Guidelines, 2015. Collection method: clinical testing. Allele origin: germline.

Literature cited by the submitters: PubMed 16254002 (cited by Women's Health and Genetics/Laboratory Corporation of America, LabCorp); PubMed 16838329 (cited by Women's Health and Genetics/Laboratory Corporation of America, LabCorp).